The following is an entry in ClinVar:

NM_006662.3(SRCAP):c.8626G>C (p.Gly2876Arg)

Gene: SRCAP (Snf2 related CREBBP activator protein; plus strand). Cytogenetic location: 16p11.2.
Variant type: single nucleotide variant.
Coding change: c.8626G>C on transcript NM_006662.3 (MANE Select); coding-DNA position 8626, G replaced by C.
Protein change: p.Gly2876Arg; replaces glycine 2876 with arginine.
Molecular consequence: missense variant.
Genome position (GRCh38, 1-based): chr16:30,738,666, G>C. VCF-style: chr16-30738666-G-C. GRCh37 (hg19) VCF-style: chr16-30749987-G-C.
Other names: short protein forms G2876R.
Identifiers: ClinVar variation 2579805 (VCV002579805.2), dbSNP rs2053186889, ClinGen allele CA395638540.

ClinVar aggregate classification (germline): Likely benign (1 of 4 stars; one submission).

Submission:

GeneDx
Classification: Likely benign. Last evaluated: 2023-12-05. Review status: criteria provided, single submitter. Criteria: GeneDx Variant Classification Process June 2021. Collection method: clinical testing. Allele origin: germline.
Comment: See Variant Classification Assertion Criteria.